The following continues an entry in ClinVar:

NM_000518.5(HBB):c.82G>T (p.Ala28Ser)

ClinVar aggregate classification (germline): Pathogenic. Pathogenic (1).

Submissions 7 to 18 of 18:

Genomic Medicine Center of Excellence, King Faisal Specialist Hospital and Research Centre
Classification: Pathogenic for Malaria, susceptibility to. Last evaluated: 2024-04-04. Review status: criteria provided, single submitter. Criteria: ACMG Guidelines, 2015. Collection method: clinical testing. Allele origin: germline. Not counted in ClinVar's aggregate classification.

Fulgent Genetics
Classification: Pathogenic for Heinz body anemia; Hereditary persistence of fetal hemoglobin; Dominant beta-thalassemia; Hb SS disease; Malaria, susceptibility to; Beta-thalassemia HBB/LCRB; METHEMOGLOBINEMIA, BETA TYPE; Erythrocytosis, familial, 6. Last evaluated: 2024-03-26. Review status: criteria provided, single submitter. Criteria: ACMG Guidelines, 2015. Collection method: clinical testing. Allele origin: germline. Not counted in ClinVar's aggregate classification.

Labcorp Genetics (formerly Invitae), Labcorp
Classification: Pathogenic. Last evaluated: 2023-10-25. Review status: criteria provided, single submitter. Criteria: Invitae Variant Classification Sherloc (09022015). Collection method: clinical testing. Allele origin: germline. Not counted in ClinVar's aggregate classification.
Comment: This sequence change replaces alanine, which is neutral and non-polar, with serine, which is neutral and polar, at codon 28 of the HBB protein (p.Ala28Ser). RNA analysis indicates that this missense change induces altered splicing and may result in an absent or disrupted protein product. This variant is present in population databases (rs35424040, gnomAD 0.007%). This missense change has been observed in individual(s) with beta-thalassemia major or intermedia (PMID: 2467892, 6469698, 9223924, 17949282). In at least one individual the data is consistent with being in trans (on the opposite chromosome) from a pathogenic variant. This variant is also known as Hb Knossos, Cd27, and Ala27Ser. ClinVar contains an entry for this variant (Variation ID: 15239). Algorithms developed to predict the effect of missense changes on protein structure and function output the following: SIFT: "Not Available"; PolyPhen-2: "Benign"; Align-GVGD: "Not Available". The serine amino acid residue is found in multiple mammalian species, which suggests that this missense change does not adversely affect protein function. Studies have shown that this missense change results in activation of a cryptic splice site and introduces a premature termination codon (PMID: 6733281). The resulting mRNA is expected to undergo nonsense-mediated decay. For these reasons, this variant has been classified as Pathogenic.

Genome-Nilou Lab
Classification: Pathogenic for Beta-thalassemia HBB/LCRB. Last evaluated: 2021-07-22. Review status: criteria provided, single submitter. Criteria: ACMG Guidelines, 2015. Collection method: clinical testing. Allele origin: germline. Affected: no. Not counted in ClinVar's aggregate classification.

Women's Health and Genetics/Laboratory Corporation of America, LabCorp
Classification: Pathogenic for Hemoglobinopathy. Last evaluated: 2018-05-02. Review status: criteria provided, single submitter. Criteria: LabCorp Variant Classification Summary - May 2015. Collection method: clinical testing. Allele origin: germline. Not counted in ClinVar's aggregate classification.
Comment: Variant summary: HBB c.82G>T (p.Ala28Ser) results in a conservative amino acid change located in the Globin domain (IPR000971) of the encoded protein sequence. Three of five in-silico tools predict a damaging effect of the variant on protein function. Although 5/5 computational tools predict no significant impact on normal splicing, all 5 tools predict the presence of a cryptic 5' donor site upstream of the canonical splice site. These predictions are supported by a study that showed the presence of an alternative transcript for c.82G>T (Orkin_1984). The variant allele was found at a frequency of 1.2e-05 in 247346 control chromosomes (gnomAD and publications). This frequency is not higher than expected for a pathogenic variant in HBB causing Beta Thalassemia (1.2e-05 vs 1.10e-02), allowing no conclusion about variant significance. The variant, c.82G>T, has been reported in the literature in multiple individuals affected with Beta Thalassemia (Orkin_1984, Baklouti_1986, El-Kalla_1997, Tadmouri_1998, Sirdah_2013, Nasouhipur_2014). Clinical presentation ranged from mild to severe b-thal intermedia with a varying need for transfusions depending on the second pathogenic allele found. Based on the published reports, most cases have been diagnosed relatively late in childhood or puberty and some are much later in adulthood. Oxygen affinity studies showed a significantly decreased affinity for p.A28S for both heterozygous carriers and Hb Knossos-b-thalassemia compound heterozygotes (Fessas_1986). Two clinical diagnostic laboratories have submitted clinical-significance assessments for this variant to ClinVar after 2014 without evidence for independent evaluation and classified the variant as pathogenic/likely pathogenic. Based on the evidence outlined above, the variant was classified as pathogenic.

Baylor Genetics
Classification: Pathogenic for Hb SS disease. Review status: criteria provided, single submitter. Criteria: ACMG Guidelines, 2015. Collection method: clinical testing. Allele origin: germline. Not counted in ClinVar's aggregate classification.

The ITHANET community portal, The Cyprus Institute of Neurology and Genetics
Classification: Pathogenic for beta Thalassemia. Last evaluated: 2019-11-25. Review status: no assertion criteria provided. Collection method: curation. Allele origin: germline. Not counted in ClinVar's aggregate classification.

Counsyl
Classification: Likely pathogenic for beta Thalassemia. Last evaluated: 2015-02-16. Review status: no assertion criteria provided. Collection method: literature only. Allele origin: unknown. Inheritance: Autosomal recessive inheritance. Not counted in ClinVar's aggregate classification.

OMIM
Classification: other for HEMOGLOBIN KNOSSOS. Last evaluated: 1989-01-01. Review status: no assertion criteria provided. Collection method: literature only. Allele origin: germline. Not counted in ClinVar's aggregate classification.

OMIM
Classification: Pathogenic for BETA-PLUS-THALASSEMIA. Last evaluated: 1989-01-01. Review status: no assertion criteria provided. Collection method: literature only. Allele origin: germline. Not counted in ClinVar's aggregate classification.

OMIM
Classification: Pathogenic for BETA-KNOSSOS-THALASSEMIA. Last evaluated: 1989-01-01. Review status: no assertion criteria provided. Collection method: literature only. Allele origin: germline. Not counted in ClinVar's aggregate classification.

GeneReviews
No classification provided. Condition: beta Thalassemia. Review status: no classification provided. Collection method: literature only. Allele origin: germline. Not counted in ClinVar's aggregate classification.

Literature cited by the submitters: PubMed 23321370 (cited by 4 submitters); PubMed 30777047 (cited by Quest Diagnostics Nichols Institute San Juan Capistrano); PubMed 31553106 (cited by Quest Diagnostics Nichols Institute San Juan Capistrano); PubMed 36752381 (cited by Quest Diagnostics Nichols Institute San Juan Capistrano); PubMed 28276871 (cited by Quest Diagnostics Nichols Institute San Juan Capistrano); PubMed 32420772 (cited by Quest Diagnostics Nichols Institute San Juan Capistrano); PubMed 17949282 (cited by 5 submitters); PubMed 9495372 (cited by Quest Diagnostics Nichols Institute San Juan Capistrano and Women's Health and Genetics/Laboratory Corporation of America, LabCorp); PubMed 9223924 (cited by Quest Diagnostics Nichols Institute San Juan Capistrano and Labcorp Genetics (formerly Invitae), Labcorp); PubMed 3955238 (cited by 3 submitters); PubMed 9140720 (cited by Quest Diagnostics Nichols Institute San Juan Capistrano and Women's Health and Genetics/Laboratory Corporation of America, LabCorp); PubMed 7852087 (cited by Quest Diagnostics Nichols Institute San Juan Capistrano and Counsyl); PubMed 1873227 (cited by Quest Diagnostics Nichols Institute San Juan Capistrano and The ITHANET community portal, The Cyprus Institute of Neurology and Genetics); PubMed 25087612 (cited by Quest Diagnostics Nichols Institute San Juan Capistrano and Counsyl); PubMed 6733281 (cited by 7 submitters); PubMed 7173395 (cited by Quest Diagnostics Nichols Institute San Juan Capistrano and The ITHANET community portal, The Cyprus Institute of Neurology and Genetics); PubMed 25332589 (cited by Quest Diagnostics Nichols Institute San Juan Capistrano and Women's Health and Genetics/Laboratory Corporation of America, LabCorp); PubMed 25130136 (cited by Quest Diagnostics Nichols Institute San Juan Capistrano); PubMed 3942130 (cited by Quest Diagnostics Nichols Institute San Juan Capistrano and Women's Health and Genetics/Laboratory Corporation of America, LabCorp); PubMed 2467892 (cited by 3 submitters); PubMed 8330973 (cited by 3billion); PubMed 6469698 (cited by Labcorp Genetics (formerly Invitae), Labcorp and OMIM); PubMed 7104238 (cited by The ITHANET community portal, The Cyprus Institute of Neurology and Genetics and Counsyl); PubMed 9340427 (cited by Counsyl); PubMed 19429541 (cited by Counsyl); PubMed 2291577 (cited by Counsyl); Arous, N., Galacteros, F., Fessas, P., Loukopoulos, D., Blouquit, Y., Komis, G., Sellaye, M., Boussiou, M., Rosa, J. Hemoglobin Knossos, beta27 ala-to-ser (B9): a new hemoglobinopathy presenting as a silent beta-thalassemia. (Abstract) Blood 60: 51A, 1982. (cited by OMIM); PubMed 6668188 (cited by OMIM); PubMed 3114175 (cited by OMIM); NCBI Bookshelf NBK1426 (cited by GeneReviews).